The following is an entry in ClinVar:

ClinVar aggregate classification (germline): Uncertain significance. Review status: criteria provided, multiple submitters, no conflicts (2 of 4 stars). 2 submissions from 2 submitters: Uncertain significance (2). Last evaluated 2025-09-09.

Allele frequency attached by ClinVar (database versions not stated): ESP Exome Variant Server 0.00008; gnomAD 0.00015 and 0.00016; 1000 Genomes Project 30x 0.00016; gnomAD exomes 0.00018; 1000 Genomes Project 0.00020; ExAC 0.00020.
gnomAD v4.1: 214 of 1,611,342 alleles (0.013%); highest among the groups gnomAD compares: Non-Finnish European, 0.012%; no homozygotes.

Submissions (2):

Labcorp Genetics (formerly Invitae), Labcorp
Classification: Uncertain significance. Last evaluated: 2025-09-09. Review status: criteria provided, single submitter. Criteria: Invitae Variant Classification Sherloc (09022015). Collection method: clinical testing. Allele origin: germline.
Comment: This sequence change replaces proline, which is neutral and non-polar, with glutamine, which is neutral and polar, at codon 72 of the DUSP6 protein (p.Pro72Gln). This variant is present in population databases (rs139215127, gnomAD 0.09%), and has an allele count higher than expected for a pathogenic variant. This variant has not been reported in the literature in individuals affected with DUSP6-related conditions. ClinVar contains an entry for this variant (Variation ID: 1449809). Invitae Evidence Modeling of protein sequence and biophysical properties (such as structural, functional, and spatial information, amino acid conservation, physicochemical variation, residue mobility, and thermodynamic stability) indicates that this missense variant is not expected to disrupt DUSP6 protein function with a negative predictive value of 80%. In summary, the available evidence is currently insufficient to determine the role of this variant in disease. Therefore, it has been classified as a Variant of Uncertain Significance.

Ambry Genetics
Classification: Uncertain significance. Last evaluated: 2024-08-05. Review status: criteria provided, single submitter. Criteria: Ambry Variant Classification Scheme 2023. Collection method: clinical testing. Allele origin: germline.

NM_001946.4(DUSP6):c.215C>A (p.Pro72Gln)

Genes: POC1B-DUSP6 (POC1B-DUSP6 readthrough; minus strand), DUSP6 (dual specificity phosphatase 6; minus strand). Cytogenetic location: 12q21.33.
Variant type: single nucleotide variant.
Coding change: c.215C>A on transcript NM_001946.4 (MANE Select); coding-DNA position 215, C replaced by A.
Protein change: p.Pro72Gln; replaces proline 72 with glutamine.
Molecular consequence: missense variant.
Genome position (GRCh38, 1-based): chr12:89,351,825, G>T on the plus strand (C>A on the coding strand, the complement: DUSP6 is on the minus strand). VCF-style: chr12-89351825-G-T. GRCh37 (hg19) VCF-style: chr12-89745602-G-T.
Other names: c.215C>A, p.Pro72Gln (NM_022652.4); c.215C>A (NM_001946.2); short protein forms P72Q.
Identifiers: ClinVar variation 1449809 (VCV001449809.7), dbSNP rs139215127, ClinGen allele CA6714095.
Genomic context (GRCh38, chr12:89,351,825, plus strand): 5'-GTGCCACAGCGCCGGGTGAAGCGGTCCCGGTCCTCGCCGCGCGTGAAGAGCGCGCGCACC[G>T]GCAGGTTACCCTTCTGCAGGCGCCGCAGCATGATGCCCGGGATGGCCACGTTGATGGCCG-3'
Protein context (NP_001937.2, residues 62-82): MLRRLQKGNL[Pro72Gln]VRALFTRGED